The following is an entry in ClinVar:

NM_001365276.2(TNXB):c.5777G>A (p.Arg1926His)

Gene: TNXB (tenascin XB; minus strand). Cytogenetic location: 6p21.33.
Variant type: single nucleotide variant.
Coding change: c.5777G>A on transcript NM_001365276.2 (MANE Select); coding-DNA position 5777, G replaced by A.
Protein change: p.Arg1926His; replaces arginine 1926 with histidine.
Molecular consequence: missense variant.
Genome position (GRCh38, 1-based): chr6:32,068,947, C>T on the plus strand (G>A on the coding strand, the complement: TNXB is on the minus strand). VCF-style: chr6-32068947-C-T. GRCh37 (hg19) VCF-style: chr6-32036724-C-T.
Other names: p.Arg1926His; c.5777G>A, p.Arg1926His (NM_019105.8); short protein forms R1926H.
Identifiers: ClinVar variation 1749579 (VCV001749579.3), dbSNP rs748123602, ClinGen allele CA3734610.

ClinVar aggregate classification (germline): Uncertain significance. Review status: criteria provided, multiple submitters, no conflicts (2 of 4 stars). 2 submissions from 2 submitters: Uncertain significance (2). Last evaluated 2024-05-14.

Conditions:
Cardiovascular phenotype. Identifiers: MedGen CN230736.

Allele frequency attached by ClinVar (database versions not stated): ExAC 0.00001; gnomAD 0.00005; TOPMed 0.00008.
gnomAD v4.1: 23 of 1,612,762 alleles (0.0014%); highest among the groups gnomAD compares: African/African-American, 0.019%; no homozygotes.

Submissions (2):

Mayo Clinic Laboratories, Mayo Clinic
Classification: Uncertain significance. Last evaluated: 2024-05-14. Review status: criteria provided, single submitter. Criteria: ACMG Guidelines, 2015. Collection method: clinical testing. Allele origin: germline. Observed: 1 variant allele.
Comment: BP4

Ambry Genetics
Classification: Uncertain significance for Cardiovascular phenotype. Last evaluated: 2019-06-18. Review status: criteria provided, single submitter. Criteria: Ambry Variant Classification Scheme 2023. Collection method: clinical testing. Allele origin: germline.
Comment: The p.R1926H variant (also known as c.5777G>A), located in coding exon 15 of the TNXB gene, results from a G to A substitution at nucleotide position 5777. The arginine at codon 1926 is replaced by histidine, an amino acid with highly similar properties. This amino acid position is poorly conserved in available vertebrate species, and histidine is the reference amino acid in other vertebrate species. In addition, this alteration is predicted to be tolerated by in silico analysis. Since supporting evidence is limited at this time, the clinical significance of this alteration remains unclear.